The following is an entry in ClinVar:

NM_206937.2(LIG4):c.2443C>T (p.Arg815Cys)

Gene: LIG4 (DNA ligase 4; minus strand). Cytogenetic location: 13q33.3.
Variant type: single nucleotide variant.
Coding change: c.2443C>T on transcript NM_206937.2 (MANE Select); coding-DNA position 2443, C replaced by T.
Protein change: p.Arg815Cys; replaces arginine 815 with cysteine.
Molecular consequence: missense variant.
Genome position (GRCh38, 1-based): chr13:108,208,826, G>A on the plus strand (C>T on the coding strand, the complement: LIG4 is on the minus strand). VCF-style: chr13-108208826-G-A. GRCh37 (hg19) VCF-style: chr13-108861174-G-A.
Other names: c.2443C>T, p.Arg815Cys (NM_001098268.2, NM_001352598.2, NM_001352599.2 and 6 more transcripts); c.2242C>T, p.Arg748Cys (NM_001330595.2); c.2479C>T, p.Arg827Cys (NM_001352604.2); short protein forms R748C, R815C, R827C.
Identifiers: ClinVar variation 1060361 (VCV001060361.7), dbSNP rs375437614, ClinGen allele CA7043499.

ClinVar aggregate classification (germline): Uncertain significance. Review status: criteria provided, multiple submitters, no conflicts (2 of 4 stars). 2 submissions from 2 submitters: Uncertain significance (2). Last evaluated 2022-07-05.

Conditions:
Inborn genetic diseases. Identifiers: MedGen C0950123, MeSH D030342.
DNA ligase IV deficiency. Identifiers: Orphanet 99812, MedGen C1847827, MONDO:0011686, OMIM 606593.

Allele frequency attached by ClinVar (database versions not stated): gnomAD exomes 0.00003 and 0.00005; gnomAD 0.00004 and 0.00005; TOPMed 0.00005; ExAC 0.00006; ESP Exome Variant Server 0.00008; 1000 Genomes Project 30x 0.00016; 1000 Genomes Project 0.00020.

Submissions (2):

Labcorp Genetics (formerly Invitae), Labcorp
Classification: Uncertain significance for DNA ligase IV deficiency. Last evaluated: 2022-07-05. Review status: criteria provided, single submitter. Criteria: Invitae Variant Classification Sherloc (09022015). Collection method: clinical testing. Allele origin: germline.
Comment: This sequence change replaces arginine, which is basic and polar, with cysteine, which is neutral and slightly polar, at codon 815 of the LIG4 protein (p.Arg815Cys). This variant is present in population databases (rs375437614, gnomAD 0.03%). This variant has not been reported in the literature in individuals affected with LIG4-related conditions. ClinVar contains an entry for this variant (Variation ID: 1060361). Algorithms developed to predict the effect of missense changes on protein structure and function (SIFT, PolyPhen-2, Align-GVGD) all suggest that this variant is likely to be tolerated. In summary, the available evidence is currently insufficient to determine the role of this variant in disease. Therefore, it has been classified as a Variant of Uncertain Significance.

Ambry Genetics
Classification: Uncertain significance for Inborn genetic diseases. Last evaluated: 2021-04-28. Review status: criteria provided, single submitter. Criteria: Ambry Variant Classification Scheme 2023. Collection method: clinical testing. Allele origin: germline.